The following is an entry in ClinVar:

ClinVar aggregate classification (germline): Uncertain significance (1 of 4 stars; one submission).

gnomAD v4.1: 2 of 1,614,152 alleles (0.00012%); highest among the groups gnomAD compares: South Asian, 0.0011%; no homozygotes.

Submission:

Labcorp Genetics (formerly Invitae), Labcorp
Classification: Uncertain significance. Last evaluated: 2024-10-30. Review status: criteria provided, single submitter. Criteria: Invitae Variant Classification Sherloc (09022015). Collection method: clinical testing. Allele origin: germline.
Comment: This sequence change replaces methionine, which is neutral and non-polar, with isoleucine, which is neutral and non-polar, at codon 361 of the MCM4 protein (p.Met361Ile). This variant is not present in population databases (gnomAD no frequency). This variant has not been reported in the literature in individuals affected with MCM4-related conditions. Invitae Evidence Modeling of protein sequence and biophysical properties (such as structural, functional, and spatial information, amino acid conservation, physicochemical variation, residue mobility, and thermodynamic stability) indicates that this missense variant is not expected to disrupt MCM4 protein function with a negative predictive value of 80%. In summary, the available evidence is currently insufficient to determine the role of this variant in disease. Therefore, it has been classified as a Variant of Uncertain Significance.

NM_182746.3(MCM4):c.1083G>A (p.Met361Ile)

Gene: MCM4 (minichromosome maintenance complex component 4; plus strand). Cytogenetic location: 8q11.21.
Variant type: single nucleotide variant.
Coding change: c.1083G>A on transcript NM_182746.3 (MANE Select); coding-DNA position 1083, G replaced by A.
Protein change: p.Met361Ile; replaces methionine 361 with isoleucine.
Molecular consequence: missense variant.
Genome position (GRCh38, 1-based): chr8:47,967,394, G>A. VCF-style: chr8-47967394-G-A. GRCh37 (hg19) VCF-style: chr8-48879954-G-A.
Other names: c.1083G>A, p.Met361Ile (NM_005914.4); short protein forms M361I.
Identifiers: ClinVar variation 3668324 (VCV003668324.2).